The following is an entry in ClinVar:

ClinVar aggregate classification (germline): Uncertain significance (1 of 4 stars; one submission).

Submission:

Women's Health and Genetics/Laboratory Corporation of America, LabCorp
Classification: Uncertain significance. Last evaluated: 2025-09-17. Review status: criteria provided, single submitter. Criteria: LabCorp Variant Classification Summary - May 2015. Collection method: clinical testing. Allele origin: germline.
Comment: Variant summary: LITAF c.362_363delinsTT (p.Ser121Ile) results in a non-conservative amino acid change in the encoded protein sequence. Algorithms developed to predict the effect of missense changes on protein structure and function are either unavailable or do not agree on the potential impact of this missense change. The variant was absent in 1607154 control chromosomes. The available data on variant occurrences in the general population are insufficient to allow any conclusion about variant significance. To our knowledge, no occurrence of c.362_363delinsTT in individuals affected with LITAF-related conditions and no experimental evidence demonstrating its impact on protein function have been reported. No submitters have cited clinical-significance assessments for this variant to ClinVar. Based on the evidence outlined above, the variant was classified as uncertain significance.

NM_001136472.2(LITAF):c.362_363delinsTT (p.Ser121Ile)

Gene: LITAF (lipopolysaccharide induced TNF factor; minus strand). Cytogenetic location: 16p13.13.
Variant type: Indel.
Coding change: c.362_363delinsTT on transcript NM_001136472.2 (MANE Select); coding-DNA positions 362 to 363, GC replaced by TT.
Protein change: p.Ser121Ile; replaces serine 121 with isoleucine.
Molecular consequence: missense variant. On other transcripts: non-coding transcript variant (1).
Genome position (GRCh38, 1-based): chr16:11,553,547-11,553,548, GC replaced by AA on the plus strand (GC replaced by TT on the coding strand, the reverse complement: LITAF is on the minus strand). VCF-style: chr16-11553547-GC-AA. GRCh37 (hg19) VCF-style: chr16-11647403-GC-AA.
Other names: c.362_363delinsTT, p.Ser121Ile (NM_001136473.1, NM_004862.4); short protein forms S121I.
Identifiers: ClinVar variation 4536137 (VCV004536137.1).